The following is an entry in ClinVar:

ClinVar aggregate classification (germline): Likely benign (1 of 4 stars; one submission).

Allele frequency attached by ClinVar (database versions not stated): gnomAD exomes 0.00055; ESP Exome Variant Server 0.00372; 1000 Genomes Project 30x 0.00437; 1000 Genomes Project 0.00479; gnomAD 0.00591 and 0.00654; TOPMed 0.00683.
gnomAD v4.1: 1,532 of 1,269,490 alleles (0.12%); highest among the groups gnomAD compares: African/African-American, 2.1%; 11 homozygotes.

Submission:

GeneDx
Classification: Likely benign. Last evaluated: 2018-06-14. Review status: criteria provided, single submitter. Criteria: GeneDx Variant Classification (06012015). Collection method: clinical testing. Allele origin: germline. Affected: yes.
Comment: This variant is considered likely benign or benign based on one or more of the following criteria: it is a conservative change, it occurs at a poorly conserved position in the protein, it is predicted to be benign by multiple in silico algorithms, and/or has population frequency not consistent with disease.

NM_006073.4(TRDN):c.1721-92A>C

Gene: TRDN (triadin; minus strand). Cytogenetic location: 6q22.31.
Variant type: single nucleotide variant.
Coding change: c.1721-92A>C on transcript NM_006073.4 (MANE Select); 92 bases into the intron before coding-DNA position 1721, A replaced by C.
Molecular consequence: intron variant.
Genome position (GRCh38, 1-based): chr6:123,269,958, T>G on the plus strand (A>C on the coding strand, the complement: TRDN is on the minus strand). VCF-style: chr6-123269958-T-G. GRCh37 (hg19) VCF-style: chr6-123591103-T-G.
Identifiers: ClinVar variation 679437 (VCV000679437.1), dbSNP rs148180593, ClinGen allele CA147230921.